The following is an entry in ClinVar:

ClinVar aggregate classification (germline): Uncertain significance. Review status: criteria provided, multiple submitters, no conflicts (2 of 4 stars). 2 submissions from 2 submitters: Uncertain significance (2). Last evaluated 2026-01-24.

Conditions:
Cardiovascular phenotype. Identifiers: MedGen CN230736.

Allele frequency attached by ClinVar (database versions not stated): gnomAD exomes 0.00001; ExAC 0.00002.
gnomAD v4.1: 16 of 1,613,778 alleles (0.00099%); highest among the groups gnomAD compares: Non-Finnish European, 0.0012%; no homozygotes.

Submissions (2):

Ambry Genetics
Classification: Uncertain significance for Cardiovascular phenotype. Last evaluated: 2026-01-24. Review status: criteria provided, single submitter. Criteria: Ambry Variant Classification Scheme 2023. Collection method: clinical testing. Allele origin: germline.
Comment: The p.L430I variant (also known as c.1288T>A), located in coding exon 8 of the AKAP9 gene, results from a T to A substitution at nucleotide position 1288. The leucine at codon 430 is replaced by isoleucine, an amino acid with highly similar properties. This amino acid position is conserved. In addition, this alteration is predicted to be tolerated by in silico analysis. Based on the available evidence, the clinical significance of this variant remains unclear.

ARUP Laboratories, Molecular Genetics and Genomics, ARUP Laboratories
Classification: Uncertain significance. Last evaluated: 2017-05-24. Review status: criteria provided, single submitter. Criteria: ARUP Molecular Germline Variant Investigation Process. Collection method: clinical testing. Allele origin: germline.

NM_005751.5(AKAP9):c.1288T>A (p.Leu430Ile)

Gene: AKAP9 (A-kinase anchoring protein 9; plus strand). Cytogenetic location: 7q21.2.
Variant type: single nucleotide variant.
Coding change: c.1288T>A on transcript NM_005751.5 (MANE Select); coding-DNA position 1288, T replaced by A.
Protein change: p.Leu430Ile; replaces leucine 430 with isoleucine.
Molecular consequence: missense variant.
Genome position (GRCh38, 1-based): chr7:92,001,205, T>A. VCF-style: chr7-92001205-T-A. GRCh37 (hg19) VCF-style: chr7-91630519-T-A.
Other names: c.1288T>A (NM_005751.4); c.1288T>A, p.Leu430Ile (NM_147185.3); short protein forms L430I.
Identifiers: ClinVar variation 439399 (VCV000439399.10), dbSNP rs756987149, ClinGen allele CA4335994.